The following is an entry in ClinVar:

NM_016111.4(TELO2):c.697G>A (p.Val233Met)

Gene: TELO2 (telomere maintenance 2; plus strand). Cytogenetic location: 16p13.3.
Variant type: single nucleotide variant.
Coding change: c.697G>A on transcript NM_016111.4 (MANE Select); coding-DNA position 697, G replaced by A.
Protein change: p.Val233Met; replaces valine 233 with methionine.
Molecular consequence: missense variant.
Genome position (GRCh38, 1-based): chr16:1,497,375, G>A. VCF-style: chr16-1497375-G-A. GRCh37 (hg19) VCF-style: chr16-1547376-G-A.
Other names: c.697G>A, p.Val233Met (NM_001351846.2); short protein forms V233M.
Identifiers: ClinVar variation 392872 (VCV000392872.4), dbSNP rs915419523, ClinGen allele CA16607234.

ClinVar aggregate classification (germline): Uncertain significance. Review status: criteria provided, multiple submitters, no conflicts (2 of 4 stars). 2 submissions from 2 submitters: Uncertain significance (2). Last evaluated 2025-09-11.

Conditions:
Inborn genetic diseases. Identifiers: MedGen C0950123, MeSH D030342.

Allele frequency attached by ClinVar (database versions not stated): gnomAD 0.00002 and 0.00001; TOPMed 0.00002; gnomAD exomes 0.00001.
gnomAD v4.1: 17 of 1,548,016 alleles (0.0011%); highest among the groups gnomAD compares: South Asian, 0.0036%; no homozygotes.

Submissions (2):

GeneDx
Classification: Uncertain significance. Last evaluated: 2025-09-11. Review status: criteria provided, single submitter. Criteria: GeneDx Variant Classification Process June 2021. Collection method: clinical testing. Allele origin: germline. Affected: yes.
Comment: Not observed at significant frequency in large population cohorts (gnomAD); In silico analysis suggests that this missense variant does not alter protein structure/function; Has not been previously published as pathogenic or benign to our knowledge

Ambry Genetics
Classification: Uncertain significance for Inborn genetic diseases. Last evaluated: 2024-04-09. Review status: criteria provided, single submitter. Criteria: Ambry Variant Classification Scheme 2023. Collection method: clinical testing. Allele origin: germline.